The following is an entry in ClinVar:

ClinVar aggregate classification (germline): Uncertain significance. Review status: criteria provided, multiple submitters, no conflicts (2 of 4 stars). 2 submissions from 2 submitters: Uncertain significance (2). Last evaluated 2022-02-03.

Conditions:
Inborn genetic diseases. Identifiers: MedGen C0950123, MeSH D030342.

Allele frequency attached by ClinVar (database versions not stated): ExAC 0.00004; ESP Exome Variant Server 0.00015.
gnomAD v4.1: 33 of 1,613,970 alleles (0.002%); highest among the groups gnomAD compares: African/African-American, 0.043%; no homozygotes.

Submissions (2):

Ambry Genetics
Classification: Uncertain significance for Inborn genetic diseases. Last evaluated: 2022-02-03. Review status: criteria provided, single submitter. Criteria: Ambry Variant Classification Scheme 2023. Collection method: clinical testing. Allele origin: germline.

Labcorp Genetics (formerly Invitae), Labcorp
Classification: Uncertain significance. Last evaluated: 2021-12-15. Review status: criteria provided, single submitter. Criteria: Invitae Variant Classification Sherloc (09022015). Collection method: clinical testing. Allele origin: germline.
Comment: This variant has not been reported in the literature in individuals affected with LAMA1-related conditions. This variant is present in population databases (rs138291906, gnomAD 0.05%). This sequence change replaces alanine, which is neutral and non-polar, with glycine, which is neutral and non-polar, at codon 2114 of the LAMA1 protein (p.Ala2114Gly). Algorithms developed to predict the effect of missense changes on protein structure and function are either unavailable or do not agree on the potential impact of this missense change (SIFT: "Tolerated"; PolyPhen-2: "Probably Damaging"; Align-GVGD: "Class C0"). In summary, the available evidence is currently insufficient to determine the role of this variant in disease. Therefore, it has been classified as a Variant of Uncertain Significance. Algorithms developed to predict the effect of sequence changes on RNA splicing suggest that this variant may create or strengthen a splice site.

NM_005559.4(LAMA1):c.6341C>G (p.Ala2114Gly)

Gene: LAMA1 (laminin subunit alpha 1; minus strand). Cytogenetic location: 18p11.31.
Variant type: single nucleotide variant.
Coding change: c.6341C>G on transcript NM_005559.4 (MANE Select); coding-DNA position 6341, C replaced by G.
Protein change: p.Ala2114Gly; replaces alanine 2114 with glycine.
Molecular consequence: missense variant.
Genome position (GRCh38, 1-based): chr18:6,977,731, G>C on the plus strand (C>G on the coding strand, the complement: LAMA1 is on the minus strand). VCF-style: chr18-6977731-G-C. GRCh37 (hg19) VCF-style: chr18-6977730-G-C.
Other names: short protein forms A2114G.
Identifiers: ClinVar variation 2069003 (VCV002069003.5), dbSNP rs138291906, ClinGen allele CA8881287.